The following is an entry in ClinVar:

ClinVar aggregate classification (germline): Uncertain significance (1 of 4 stars; one submission).

Conditions:
Hereditary cancer-predisposing syndrome. Also called: Tumor predisposition; Neoplastic Syndromes, Hereditary; Hereditary neoplastic syndrome; Hereditary Cancer Syndrome. Identifiers: Orphanet 140162, MedGen C0027672, MeSH D009386, MONDO:0015356.

Submission:

Ambry Genetics
Classification: Uncertain significance for Hereditary cancer-predisposing syndrome. Last evaluated: 2024-08-02. Review status: criteria provided, single submitter. Criteria: Ambry Variant Classification Scheme 2023. Collection method: clinical testing. Allele origin: germline.
Comment: The p.P1320L variant (also known as c.3959C>T), located in coding exon 20 of the BLM gene, results from a C to T substitution at nucleotide position 3959. The proline at codon 1320 is replaced by leucine, an amino acid with similar properties. This amino acid position is conserved. In addition, this alteration is predicted to be tolerated by in silico analysis. Based on the available evidence, the clinical significance of this variant remains unclear.

NM_000057.4(BLM):c.3959C>T (p.Pro1320Leu)

Gene: BLM (BLM RecQ like helicase; plus strand). Cytogenetic location: 15q26.1.
Variant type: single nucleotide variant.
Coding change: c.3959C>T on transcript NM_000057.4 (MANE Select); coding-DNA position 3959, C replaced by T.
Protein change: p.Pro1320Leu; replaces proline 1320 with leucine.
Molecular consequence: missense variant.
Genome position (GRCh38, 1-based): chr15:90,811,289, C>T. VCF-style: chr15-90811289-C-T. GRCh37 (hg19) VCF-style: chr15-91354519-C-T.
Other names: c.2834C>T, p.Pro945Leu (NM_001287248.2); c.3959C>T, p.Pro1320Leu (NM_001287246.2); c.3566C>T, p.Pro1189Leu (NM_001287247.2); short protein forms P1189L, P1320L, P945L.
Identifiers: ClinVar variation 3480794 (VCV003480794.1).